The following is an entry in ClinVar:

NM_000518.5(HBB):c.363A>C (p.Lys121Asn)

Genes: HBB (hemoglobin subunit beta; minus strand), LOC107133510 (origin of replication at HBB; plus strand), LOC110006319 (beta-globin gene 3' regulatory region; plus strand). Cytogenetic location: 11p15.4.
Variant type: single nucleotide variant.
Coding change: c.363A>C on transcript NM_000518.5 (MANE Select); coding-DNA position 363, A replaced by C.
Protein change: p.Lys121Asn; replaces lysine 121 with asparagine.
Molecular consequence: missense variant.
Genome position (GRCh38, 1-based): chr11:5,225,679, T>G on the plus strand (A>C on the coding strand, the complement: HBB is on the minus strand). VCF-style: chr11-5225679-T-G. GRCh37 (hg19) VCF-style: chr11-5246909-T-G.
Other names: K120N; Hb Riyadh; Hb Karatsu; short protein forms K121N.
Identifiers: ClinVar variation 15329 (VCV000015329.16), dbSNP rs34726542, ClinGen allele CA125130.

ClinVar aggregate classification (germline): Benign/Likely benign. Review status: criteria provided, multiple submitters, no conflicts (2 of 4 stars). 4 submissions from 4 submitters: Benign (2); Likely benign (1). 1 of the submissions does not count toward it. Last evaluated 2025-06-12.

Allele frequency attached by ClinVar (database versions not stated): gnomAD exomes below 0.00001; TOPMed 0.00001.
gnomAD v4.1: 1 of 1,614,094 alleles (0.000062%); highest among the groups gnomAD compares: Admixed American, 0.0017%; no homozygotes.

Submissions (4):

Women's Health and Genetics/Laboratory Corporation of America, LabCorp
Classification: Likely benign. Last evaluated: 2025-06-12. Review status: criteria provided, single submitter. Criteria: LabCorp Variant Classification Summary - May 2015. Collection method: clinical testing. Allele origin: germline.
Comment: Variant summary: HBB c.363A>C (p.Lys121Asn) results in a non-conservative amino acid change in the encoded protein sequence. Algorithms developed to predict the effect of missense changes on protein structure and function are either unavailable or do not agree on the potential impact of this missense change. The variant allele was found at a frequency of 4e-06 in 251288 control chromosomes (gnomAD). The available data on variant occurrences in the general population are insufficient to allow any conclusion about variant significance. The variant, c.363A>C (aka Hb Riyadh and Hb Karatsu), has been observed in homozygous state in healthy individuals from India (Sahoo_2014). The variant was also reported in compound heterozygous state with a BTHAL-0 variant, in an individual who had a phenotype identical to that of simple beta thalassemia trait (Pinkerton_1979). In addition, the variant was reported in compound heterozygous state with HbC in an infant, who had no clinical or erythrocyte abnormalities (Hirsch_1997). These data suggest that the variant is clinically silent. Publications reported experimental evidence evaluating an impact on protein function, and demonstrated that the variant protein exhibits normal stability and oxygen affinity (Budge_1977), and had no deleterious impact in the presence of HbC (Hirsch_1997). The following publications have been ascertained in the context of this evaluation (PMID: 511584, 1052171, 9163585, 8507923, 24099628, 893129). ClinVar contains an entry for this variant (Variation ID: 15329). Based on the evidence outlined above, the variant was classified as likely benign.

ARUP Laboratories, Molecular Genetics and Genomics, ARUP Laboratories
Classification: Benign. Last evaluated: 2025-05-20. Review status: criteria provided, single submitter. Criteria: ARUP Molecular Germline Variant Investigation Process 2024. Collection method: clinical testing. Allele origin: germline.
Comment: The Hb Riyadh variant (HBB: c. 363A>C; p. Lys121Asn, also known as Lys120Asn when numbered from the mature protein, rs34726542, HbVar ID: 506) has been reported in unaffected individuals (Budge 1977, Sahoo 2014, HbVar database and references therein). Functional analyses of the variant protein show normal oxygen affinity and protein stability (Budge 1977, HbVar database and references therein). This variant is only observed on one allele in the Genome Aggregation Database (v2.1.1), indicating it is not a common polymorphism. Computational analyses are uncertain whether this variant is neutral or deleterious (REVEL: 0.403). Based on available information, this variant is considered to be benign. References: Link to HbVar database: Budge LJ et al. Hemoglobin Riyadh in a Mexican American family of Spanish ancestry. Hemoglobin. 1977;1(3):283-95. PMID: 893129. Sahoo SS et al. Distinctive mutation spectrum of the HBB gene in an urban eastern Indian population. Hemoglobin. 2014;38(1):33-8. PMID: 24099628.

Quest Diagnostics Nichols Institute San Juan Capistrano
Classification: Benign. Last evaluated: 2020-06-10. Review status: criteria provided, single submitter. Criteria: Quest Diagnostics criteria. Collection method: clinical testing. Allele origin: unknown.
Comment: This variant is also known as Hb Riyadh (PMID: 1052171 (1976)) and Hb Karatsu (PMID: 893141 (1977)). In the published literature, homozygous asymptomatic persons from India (PMID: 24099628 (2014)) and asymptomatic heterozygous persons from Mexican and Japanese families have been identified (PMID: 893129 (1977), 893141 (1977), and Hidaka and Iuchi (1986) Kawasaki Med J 12(3):149). Functional studies show this variant has normal stability (PMID: 893129 (1977) and 893141 (1977)) and normal oxygen affinity (PMID: 893129 (1977)).

OMIM
Classification: Pathogenic for HEMOGLOBIN RIYADH. Last evaluated: 1979-01-01. Review status: no assertion criteria provided. Collection method: literature only. Allele origin: germline. Not counted in ClinVar's aggregate classification.

Literature cited by the submitters: PubMed 511584 (cited by 3 submitters); PubMed 893129 (cited by 3 submitters); PubMed 1052171 (cited by 3 submitters); PubMed 9163585 (cited by Women's Health and Genetics/Laboratory Corporation of America, LabCorp and Quest Diagnostics Nichols Institute San Juan Capistrano); PubMed 8507923 (cited by Women's Health and Genetics/Laboratory Corporation of America, LabCorp and Quest Diagnostics Nichols Institute San Juan Capistrano); PubMed 24099628 (cited by Women's Health and Genetics/Laboratory Corporation of America, LabCorp and Quest Diagnostics Nichols Institute San Juan Capistrano); PubMed 7674538 (cited by Quest Diagnostics Nichols Institute San Juan Capistrano); PubMed 10228386 (cited by Quest Diagnostics Nichols Institute San Juan Capistrano); PubMed 31553106 (cited by Quest Diagnostics Nichols Institute San Juan Capistrano); PubMed 11159762 (cited by Quest Diagnostics Nichols Institute San Juan Capistrano); PubMed 20184100 (cited by Quest Diagnostics Nichols Institute San Juan Capistrano); PubMed 23885183 (cited by Quest Diagnostics Nichols Institute San Juan Capistrano); PubMed 30604644 (cited by Quest Diagnostics Nichols Institute San Juan Capistrano); PubMed 893141 (cited by Quest Diagnostics Nichols Institute San Juan Capistrano and OMIM).